The following is an entry in ClinVar:

ClinVar aggregate classification (germline): Uncertain significance (1 of 4 stars; one submission).

Allele frequency attached by ClinVar (database versions not stated): gnomAD exomes below 0.00001; gnomAD 0.00001; 1000 Genomes Project 30x 0.00016; 1000 Genomes Project 0.00020.
gnomAD v4.1: 2 of 1,612,792 alleles (0.00012%); highest among the groups gnomAD compares: East Asian, 0.0045%; no homozygotes.

Submission:

Labcorp Genetics (formerly Invitae), Labcorp
Classification: Uncertain significance. Last evaluated: 2024-05-30. Review status: criteria provided, single submitter. Criteria: Invitae Variant Classification Sherloc (09022015). Collection method: clinical testing. Allele origin: germline.
Comment: This sequence change replaces alanine, which is neutral and non-polar, with valine, which is neutral and non-polar, at codon 4425 of the HMCN1 protein (p.Ala4425Val). This variant is present in population databases (rs556166735, gnomAD 0.006%). This variant has not been reported in the literature in individuals affected with HMCN1-related conditions. An algorithm developed to predict the effect of missense changes on protein structure and function (PolyPhen-2) suggests that this variant is likely to be disruptive. In summary, the available evidence is currently insufficient to determine the role of this variant in disease. Therefore, it has been classified as a Variant of Uncertain Significance.

NM_031935.3(HMCN1):c.13274C>T (p.Ala4425Val)

Gene: HMCN1 (hemicentin 1; plus strand). Cytogenetic location: 1q31.1.
Variant type: single nucleotide variant.
Coding change: c.13274C>T on transcript NM_031935.3 (MANE Select); coding-DNA position 13274, C replaced by T.
Protein change: p.Ala4425Val; replaces alanine 4425 with valine.
Molecular consequence: missense variant.
Genome position (GRCh38, 1-based): chr1:186,132,371, C>T. VCF-style: chr1-186132371-C-T. GRCh37 (hg19) VCF-style: chr1-186101503-C-T.
Other names: short protein forms A4425V.
Identifiers: ClinVar variation 2843778 (VCV002843778.3), dbSNP rs556166735, ClinGen allele CA33464642.